The following is an entry in ClinVar:

NM_014014.5(SNRNP200):c.1346C>T (p.Ala449Val)

Gene: SNRNP200 (small nuclear ribonucleoprotein U5 subunit 200; minus strand). Cytogenetic location: 2q11.2.
Variant type: single nucleotide variant.
Coding change: c.1346C>T on transcript NM_014014.5 (MANE Select); coding-DNA position 1346, C replaced by T.
Protein change: p.Ala449Val; replaces alanine 449 with valine.
Molecular consequence: missense variant.
Genome position (GRCh38, 1-based): chr2:96,297,394, G>A on the plus strand (C>T on the coding strand, the complement: SNRNP200 is on the minus strand). VCF-style: chr2-96297394-G-A. GRCh37 (hg19) VCF-style: chr2-96963132-G-A.
Other names: short protein forms A449V.
Identifiers: ClinVar variation 3682764 (VCV003682764.2).

ClinVar aggregate classification (germline): Uncertain significance (1 of 4 stars; one submission).

gnomAD v4.1: 2 of 1,614,058 alleles (0.00012%); highest among the groups gnomAD compares: East Asian, 0.0022%; no homozygotes.

Submission:

Labcorp Genetics (formerly Invitae), Labcorp
Classification: Uncertain significance. Last evaluated: 2024-05-23. Review status: criteria provided, single submitter. Criteria: Invitae Variant Classification Sherloc (09022015). Collection method: clinical testing. Allele origin: germline.
Comment: This sequence change replaces alanine, which is neutral and non-polar, with valine, which is neutral and non-polar, at codon 449 of the SNRNP200 protein (p.Ala449Val). This variant is present in population databases (rs750401520, gnomAD 0.006%). This variant has not been reported in the literature in individuals affected with SNRNP200-related conditions. Advanced modeling of protein sequence and biophysical properties (such as structural, functional, and spatial information, amino acid conservation, physicochemical variation, residue mobility, and thermodynamic stability) performed at Invitae indicates that this missense variant is expected to disrupt SNRNP200 protein function with a positive predictive value of 80%. In summary, the available evidence is currently insufficient to determine the role of this variant in disease. Therefore, it has been classified as a Variant of Uncertain Significance.